The following is an entry in ClinVar:

ClinVar aggregate classification (germline): Uncertain significance. Review status: criteria provided, multiple submitters, no conflicts (2 of 4 stars). 2 submissions from 2 submitters: Uncertain significance (2). Last evaluated 2025-03-23.

Conditions:
Developmental and epileptic encephalopathy 94 (DEE94). Also called: Epileptic encephalopathy, childhood-onset; CHD2-Related Neurodevelopmental Disorders. Identifiers: Orphanet 1942, Orphanet 2382, MedGen C3809278, MONDO:0014150, OMIM 615369.

Allele frequency attached by ClinVar (database versions not stated): gnomAD exomes 0.00001; ExAC 0.00002.
gnomAD v4.1: 11 of 1,604,670 alleles (0.00069%); highest among the groups gnomAD compares: Admixed American, 0.0051%; no homozygotes.

Submissions (2):

Labcorp Genetics (formerly Invitae), Labcorp
Classification: Uncertain significance for Developmental and epileptic encephalopathy 94. Last evaluated: 2025-03-23. Review status: criteria provided, single submitter. Criteria: Invitae Variant Classification Sherloc (09022015). Collection method: clinical testing. Allele origin: germline.
Comment: This sequence change replaces arginine, which is basic and polar, with histidine, which is basic and polar, at codon 1038 of the CHD2 protein (p.Arg1038His). This variant is present in population databases (rs748387802, gnomAD 0.003%). This variant has not been reported in the literature in individuals affected with CHD2-related conditions. ClinVar contains an entry for this variant (Variation ID: 2054288). Invitae Evidence Modeling of protein sequence and biophysical properties (such as structural, functional, and spatial information, amino acid conservation, physicochemical variation, residue mobility, and thermodynamic stability) indicates that this missense variant is not expected to disrupt CHD2 protein function with a negative predictive value of 95%. In summary, the available evidence is currently insufficient to determine the role of this variant in disease. Therefore, it has been classified as a Variant of Uncertain Significance.

Athena Diagnostics
Classification: Uncertain significance. Last evaluated: 2024-09-16. Review status: criteria provided, single submitter. Criteria: Athena Diagnostics Criteria. Collection method: clinical testing. Allele origin: unknown.
Comment: Available data are insufficient to determine the clinical significance of the variant at this time. The frequency of this variant in the general population is uninformative in assessment of its pathogenicity. Polyphen and MutationTaster predict this amino acid change may be benign.

NM_001271.4(CHD2):c.3113G>A (p.Arg1038His)

Gene: CHD2 (chromodomain helicase DNA binding protein 2; plus strand). Cytogenetic location: 15q26.1.
Variant type: single nucleotide variant.
Coding change: c.3113G>A on transcript NM_001271.4 (MANE Select); coding-DNA position 3113, G replaced by A.
Protein change: p.Arg1038His; replaces arginine 1038 with histidine.
Molecular consequence: missense variant.
Genome position (GRCh38, 1-based): chr15:92,984,376, G>A. VCF-style: chr15-92984376-G-A. GRCh37 (hg19) VCF-style: chr15-93527606-G-A.
Other names: c.3113G>A (NM_001271.3); short protein forms R1038H.
Identifiers: ClinVar variation 2054288 (VCV002054288.5), dbSNP rs748387802, ClinGen allele CA7748150.